The following is an entry in ClinVar:

ClinVar aggregate classification (germline): Likely benign (1 of 4 stars; one submission).

Allele frequency attached by ClinVar (database versions not stated): gnomAD 0.00003; TOPMed 0.00003.

Submission:

CeGaT Center for Human Genetics Tuebingen
Classification: Likely benign. Last evaluated: 2023-12-01. Review status: criteria provided, single submitter. Criteria: CeGaT Center For Human Genetics Tuebingen Variant Classification Criteria Version 2. Collection method: clinical testing. Allele origin: germline. Affected: yes. Observed: 1 variant allele.
Comment: SOX4: BP4, BP7

NM_003107.3(SOX4):c.579G>C (p.Pro193=)

Gene: SOX4 (SRY-box transcription factor 4; plus strand). Cytogenetic location: 6p22.3.
Variant type: single nucleotide variant.
Coding change: c.579G>C on transcript NM_003107.3 (MANE Select); coding-DNA position 579, G replaced by C.
Protein change: p.Pro193=; no amino-acid change (proline 193 retained).
Molecular consequence: synonymous variant.
Genome position (GRCh38, 1-based): chr6:21,595,113, G>C. VCF-style: chr6-21595113-G-C. GRCh37 (hg19) VCF-style: chr6-21595344-G-C.
Identifiers: ClinVar variation 3025613 (VCV003025613.22), dbSNP rs1445393759, ClinGen allele CA448961928.